The following is an entry in ClinVar:

ClinVar aggregate classification (germline): Uncertain significance (1 of 4 stars; one submission).

Submission:

Labcorp Genetics (formerly Invitae), Labcorp
Classification: Uncertain significance. Last evaluated: 2022-09-09. Review status: criteria provided, single submitter. Criteria: Invitae Variant Classification Sherloc (09022015). Collection method: clinical testing. Allele origin: germline.
Comment: This variant is not present in population databases (gnomAD no frequency). This variant has not been reported in the literature in individuals affected with IMPDH1-related conditions. Algorithms developed to predict the effect of missense changes on protein structure and function (SIFT, PolyPhen-2, Align-GVGD) all suggest that this variant is likely to be disruptive. In summary, the available evidence is currently insufficient to determine the role of this variant in disease. Therefore, it has been classified as a Variant of Uncertain Significance. This sequence change replaces glycine, which is neutral and non-polar, with aspartic acid, which is acidic and polar, at codon 233 of the IMPDH1 protein (p.Gly233Asp).

NM_000883.4(IMPDH1):c.698G>A (p.Gly233Asp)

Gene: IMPDH1 (inosine monophosphate dehydrogenase 1; minus strand). Cytogenetic location: 7q32.1.
Variant type: single nucleotide variant.
Coding change: c.698G>A on transcript NM_000883.4 (MANE Select); coding-DNA position 698, G replaced by A.
Protein change: p.Gly233Asp; replaces glycine 233 with aspartic acid.
Molecular consequence: missense variant.
Genome position (GRCh38, 1-based): chr7:128,400,421, C>T on the plus strand (G>A on the coding strand, the complement: IMPDH1 is on the minus strand). VCF-style: chr7-128400421-C-T. GRCh37 (hg19) VCF-style: chr7-128040475-C-T.
Other names: c.668G>A, p.Gly223Asp (NM_001102605.2); c.443G>A, p.Gly148Asp (NM_001142573.2); c.428G>A, p.Gly143Asp (NM_001142574.2); c.368G>A, p.Gly123Asp (NM_001142575.2); c.599G>A, p.Gly200Asp (NM_001142576.2); c.491G>A, p.Gly164Asp (NM_001304521.2); c.590G>A, p.Gly197Asp (NM_183243.3); short protein forms G123D, G143D, G148D, G164D, G197D, G200D, G223D, G233D.
Identifiers: ClinVar variation 1719110 (VCV001719110.5), dbSNP rs1272549405, ClinGen allele CA369173450.